The following is an entry in ClinVar:

NM_004360.5(CDH1):c.532-18del

Gene: CDH1 (cadherin 1; plus strand). Cytogenetic location: 16q22.1.
Variant type: Deletion.
Coding change: c.532-18del on transcript NM_004360.5 (MANE Select); 18 bases into the intron before coding-DNA position 532, one base deleted (C; older notation c.532-18delC).
Molecular consequence: intron variant.
Genome position (GRCh38, 1-based): chr16:68,808,675, C deleted. VCF-style (leftmost placement, unchanged base first): chr16-68808674-TC-T. GRCh37 (hg19) VCF-style: chr16-68842577-TC-T.
Other names: c.-1084-18del (NM_001317185.2); c.-1288-18del (NM_001317186.2); c.532-18del (NM_001317184.2).
Identifiers: ClinVar variation 1603299 (VCV001603299.9), dbSNP rs2152130015, ClinGen allele CA2573152583.
Genomic context (GRCh38, chr16:68,808,674, plus strand): 5'-AGTACCAAGGAGAGAAAGGGAAAAGACCCAGTGTTGGGATCCTTCTTTACTAATTCTTTT[TC>T]TTTCATTTTGTCTTCAGATCAAATCCAACAAAGACAAAGAAGGCAAGGTTTTCTACAGCA-3'

ClinVar aggregate classification (germline): Likely benign. Review status: criteria provided, multiple submitters, no conflicts (2 of 4 stars). 2 submissions from 2 submitters: Likely benign (2). Last evaluated 2024-09-13.

Conditions:
Hereditary diffuse gastric adenocarcinoma (HDGC). Also called: DIFFUSE GASTRIC AND LOBULAR BREAST CANCER SYNDROME. Identifiers: Orphanet 26106, MedGen C1708349, MONDO:0007648, OMIM 137215.

Submissions (2):

Myriad Genetics, Inc.
Classification: Likely benign for Hereditary diffuse gastric adenocarcinoma. Last evaluated: 2024-09-13. Review status: criteria provided, single submitter. Criteria: Myriad Autosomal Dominant, Autosomal Recessive and X-Linked Classification Criteria (2023). Collection method: clinical testing. Allele origin: unknown.
Comment: This variant is considered likely benign. This variant is intronic and is not expected to impact mRNA splicing.

Labcorp Genetics (formerly Invitae), Labcorp
Classification: Likely benign for Hereditary diffuse gastric adenocarcinoma. Last evaluated: 2022-11-10. Review status: criteria provided, single submitter. Criteria: Invitae Variant Classification Sherloc (09022015). Collection method: clinical testing. Allele origin: germline.